The following is an entry in ClinVar:

NM_203446.3(SYNJ1):c.1835C>A (p.Ala612Asp)

Gene: SYNJ1 (synaptojanin 1; minus strand). Cytogenetic location: 21q22.11.
Variant type: single nucleotide variant.
Coding change: c.1835C>A on transcript NM_203446.3 (MANE Select); coding-DNA position 1835, C replaced by A.
Protein change: p.Ala612Asp; replaces alanine 612 with aspartic acid.
Molecular consequence: missense variant.
Genome position (GRCh38, 1-based): chr21:32,666,550, G>T on the plus strand (C>A on the coding strand, the complement: SYNJ1 is on the minus strand). VCF-style: chr21-32666550-G-T. GRCh37 (hg19) VCF-style: chr21-34038860-G-T.
Other names: c.1835C>A, p.Ala612Asp (NM_001160302.2); c.1820C>A, p.Ala607Asp (NM_001160306.2); c.1952C>A, p.Ala651Asp (NM_003895.4); short protein forms A612D, A607D, A651D.
Identifiers: ClinVar variation 854051 (VCV000854051.10), dbSNP rs2040941103, ClinGen allele CA410081058.

ClinVar aggregate classification (germline): Uncertain significance (1 of 4 stars; one submission).

Conditions:
Developmental and epileptic encephalopathy, 53. Also called: Epileptic encephalopathy, early infantile, 53. Identifiers: MedGen C4479313, MONDO:0033362, OMIM 617389.
Early-onset Parkinson disease 20. Also called: PARKINSON DISEASE 20, AUTOSOMAL RECESSIVE EARLY-ONSET. Identifiers: Orphanet 391411, MedGen C3809824, MONDO:0014233, OMIM 615530.

Submission:

Labcorp Genetics (formerly Invitae), Labcorp
Classification: Uncertain significance for Developmental and epileptic encephalopathy, 53; Early-onset Parkinson disease 20. Last evaluated: 2020-10-01. Review status: criteria provided, single submitter. Criteria: Invitae Variant Classification Sherloc (09022015). Collection method: clinical testing. Allele origin: germline.
Comment: In summary, the available evidence is currently insufficient to determine the role of this variant in disease. Therefore, it has been classified as a Variant of Uncertain Significance. Algorithms developed to predict the effect of missense changes on protein structure and function are either unavailable or do not agree on the potential impact of this missense change (SIFT: "Tolerated"; PolyPhen-2: "Probably Damaging"; Align-GVGD: "Class C0"). This variant has not been reported in the literature in individuals with SYNJ1-related conditions. This variant is not present in population databases (ExAC no frequency). This sequence change replaces alanine with aspartic acid at codon 651 of the SYNJ1 protein (p.Ala651Asp). The alanine residue is moderately conserved and there is a moderate physicochemical difference between alanine and aspartic acid.